The following is an entry in ClinVar:

ClinVar aggregate classification (germline): Conflicting classifications of pathogenicity. Review status: criteria provided, conflicting classifications (1 of 4 stars). 2 submissions from 2 submitters: Uncertain significance (1); Likely benign (1). Last evaluated 2026-02-10.

Conditions:
Peutz-Jeghers syndrome (PJS). Also called: POLYPOSIS, HAMARTOMATOUS INTESTINAL; POLYPS-AND-SPOTS SYNDROME; Peutz-Jeghers polyposis; Periorificial lentiginosis syndrome. Identifiers: Orphanet 2869, MedGen C0031269, MeSH D010580, MONDO:0008280, OMIM 175200.
Hereditary cancer-predisposing syndrome. Also called: Tumor predisposition; Hereditary Cancer Syndrome; Neoplastic Syndromes, Hereditary; Hereditary neoplastic syndrome. Identifiers: Orphanet 140162, MedGen C0027672, MeSH D009386, MONDO:0015356.

Submissions (2):

Ambry Genetics
Classification: Uncertain significance for Hereditary cancer-predisposing syndrome. Last evaluated: 2026-02-10. Review status: criteria provided, single submitter. Criteria: Ambry Variant Classification Scheme 2023. Collection method: clinical testing. Allele origin: germline.
Comment: The c.375-5C>G intronic variant results from a C to G substitution 5 nucleotides upstream from coding exon 3 in the STK11 gene. This nucleotide position is not well conserved in available vertebrate species. In silico splice site analysis predicts that this alteration will not have any significant effect on splicing. Based on the available evidence, the clinical significance of this variant remains unclear.

Labcorp Genetics (formerly Invitae), Labcorp
Classification: Likely benign for Peutz-Jeghers syndrome. Last evaluated: 2022-01-27. Review status: criteria provided, single submitter. Criteria: Invitae Variant Classification Sherloc (09022015). Collection method: clinical testing. Allele origin: germline.

NM_000455.5(STK11):c.375-5C>G

Gene: STK11 (serine/threonine kinase 11; plus strand). Cytogenetic location: 19p13.3.
Variant type: single nucleotide variant.
Coding change: c.375-5C>G on transcript NM_000455.5 (MANE Select); 5 bases into the intron before coding-DNA position 375, C replaced by G.
Molecular consequence: intron variant.
Genome position (GRCh38, 1-based): chr19:1,219,319, C>G. VCF-style: chr19-1219319-C-G. GRCh37 (hg19) VCF-style: chr19-1219318-C-G.
Identifiers: ClinVar variation 480728 (VCV000480728.14), dbSNP rs1057517626, ClinGen allele CA658656741.